The following is an entry in ClinVar:

ClinVar aggregate classification (germline): Benign/Likely benign. Review status: criteria provided, multiple submitters, no conflicts (2 of 4 stars). 7 submissions from 7 submitters: Benign (5); Likely benign (2). Last evaluated 2026-04-14.

Conditions:
Familial intrahepatic cholestasis. Identifiers: Orphanet 284385, MedGen CN296401, MONDO:0017290.
Progressive familial intrahepatic cholestasis type 2. Identifiers: Orphanet 79304, MedGen C3489789, MONDO:0011156, OMIM 601847.

Allele frequency attached by ClinVar (database versions not stated): ESP Exome Variant Server 0.00122; gnomAD 0.00145 and 0.00502; TOPMed 0.00156; gnomAD exomes 0.01421; ExAC 0.01593; 1000 Genomes Project 30x 0.02936; 1000 Genomes Project 0.03115.
gnomAD v4.1: 10,776 of 1,610,312 alleles (0.67%); highest among the groups gnomAD compares: South Asian, 11%; 639 homozygotes.

Submissions (7):

Genomenon, Inc
Classification: Benign for Familial intrahepatic cholestasis. Last evaluated: 2026-04-14. Review status: criteria provided, single submitter. Criteria: Genomenon Sequence Variant Interpretation Standards - Updated. Collection method: curation. Allele origin: germline. Affected: no.
Comment: ABCB11 c.1791G>T is a synonymous variant that retains Valine at residue 597. This variant is present at high allele frequency in population databases. In conclusion, we classify ABCB11 p.Val597= (c.1791G>T) as a benign variant.

Labcorp Genetics (formerly Invitae), Labcorp
Classification: Benign. Last evaluated: 2026-02-02. Review status: criteria provided, single submitter. Criteria: Invitae Variant Classification Sherloc (09022015). Collection method: clinical testing. Allele origin: germline.

Mayo Clinic Laboratories, Mayo Clinic
Classification: Benign. Last evaluated: 2022-07-15. Review status: criteria provided, single submitter. Criteria: ACMG Guidelines, 2015. Collection method: clinical testing. Allele origin: germline. Observed: 4 variant alleles.

Illumina Laboratory Services, Illumina
Classification: Likely benign for Progressive familial intrahepatic cholestasis type 2. Last evaluated: 2017-04-27. Review status: criteria provided, single submitter. Criteria: ICSL Variant Classification Criteria 13 December 2019. Collection method: clinical testing. Allele origin: germline.
Comment: This variant was observed as part of a predisposition screen in an ostensibly healthy population. A literature search was performed for the gene, cDNA change, and amino acid change (where applicable). No publications were found based on this search. Allele frequency data from public databases allowed determination this variant is unlikely to cause disease. Therefore, this variant is classified as likely benign.

GeneDx
Classification: Benign. Last evaluated: 2016-07-05. Review status: criteria provided, single submitter. Criteria: GeneDx Variant Classification (06012015). Collection method: clinical testing. Allele origin: germline. Affected: yes.
Comment: This variant is considered likely benign or benign based on one or more of the following criteria: it is a conservative change, it occurs at a poorly conserved position in the protein, it is predicted to be benign by multiple in silico algorithms, and/or has population frequency not consistent with disease.

Eurofins Ntd Llc (ga)
Classification: Benign. Last evaluated: 2014-11-14. Review status: criteria provided, single submitter. Criteria: EGL Classification Definitions 2015. Collection method: clinical testing. Allele origin: germline. Observed: 2 variant alleles, 2 heterozygotes.

Breakthrough Genomics
Classification: Likely benign. Review status: criteria provided, single submitter. Criteria: ACMG Guidelines, 2015. Collection method: not provided. Allele origin: germline. Inheritance: Autosomal recessive inheritance. Affected: yes.

NM_003742.4(ABCB11):c.1791G>T (p.Val597=)

Gene: ABCB11 (ATP binding cassette subfamily B member 11; minus strand). Cytogenetic location: 2q31.1.
Variant type: single nucleotide variant.
Coding change: c.1791G>T on transcript NM_003742.4 (MANE Select); coding-DNA position 1791, G replaced by T.
Protein change: p.Val597=; no amino-acid change (valine 597 retained).
Molecular consequence: synonymous variant.
Genome position (GRCh38, 1-based): chr2:168,970,063, C>A on the plus strand (G>T on the coding strand, the complement: ABCB11 is on the minus strand). VCF-style: chr2-168970063-C-A. GRCh37 (hg19) VCF-style: chr2-169826573-C-A.
Other names: p.Val597=; c.1791G>T, p.Val597= (LRG_1199t1).
Identifiers: ClinVar variation 194504 (VCV000194504.20), dbSNP rs11568371, ClinGen allele CA201204.